The following is an entry in ClinVar:

ClinVar aggregate classification (germline): Uncertain significance. Review status: criteria provided, multiple submitters, no conflicts (2 of 4 stars). 2 submissions from 2 submitters: Uncertain significance (2). Last evaluated 2025-01-24.

Conditions:
Inborn genetic diseases. Identifiers: MedGen C0950123, MeSH D030342.

Allele frequency attached by ClinVar (database versions not stated): TOPMed below 0.00001; ExAC 0.00001; gnomAD exomes 0.00001.
gnomAD v4.1: 24 of 1,614,148 alleles (0.0015%); highest among the groups gnomAD compares: South Asian, 0.019%; no homozygotes.

Submissions (2):

Ambry Genetics
Classification: Uncertain significance for Inborn genetic diseases. Last evaluated: 2025-01-24. Review status: criteria provided, single submitter. Criteria: Ambry Variant Classification Scheme 2023. Collection method: clinical testing. Allele origin: germline.

Labcorp Genetics (formerly Invitae), Labcorp
Classification: Uncertain significance. Last evaluated: 2022-09-13. Review status: criteria provided, single submitter. Criteria: Invitae Variant Classification Sherloc (09022015). Collection method: clinical testing. Allele origin: germline.
Comment: This variant has not been reported in the literature in individuals affected with MTPAP-related conditions. This variant is present in population databases (rs768773303, gnomAD 0.02%). This sequence change replaces alanine, which is neutral and non-polar, with threonine, which is neutral and polar, at codon 141 of the MTPAP protein (p.Ala141Thr). In summary, the available evidence is currently insufficient to determine the role of this variant in disease. Therefore, it has been classified as a Variant of Uncertain Significance. Advanced modeling of protein sequence and biophysical properties (such as structural, functional, and spatial information, amino acid conservation, physicochemical variation, residue mobility, and thermodynamic stability) performed at Invitae indicates that this missense variant is not expected to disrupt MTPAP protein function.

NM_018109.4(MTPAP):c.421G>A (p.Ala141Thr)

Gene: MTPAP (mitochondrial poly(A) polymerase; minus strand). Cytogenetic location: 10p11.23.
Variant type: single nucleotide variant.
Coding change: c.421G>A on transcript NM_018109.4 (MANE Select); coding-DNA position 421, G replaced by A.
Protein change: p.Ala141Thr; replaces alanine 141 with threonine.
Molecular consequence: missense variant.
Genome position (GRCh38, 1-based): chr10:30,340,360, C>T on the plus strand (G>A on the coding strand, the complement: MTPAP is on the minus strand). VCF-style: chr10-30340360-C-T. GRCh37 (hg19) VCF-style: chr10-30629289-C-T.
Other names: c.421G>A (NM_018109.3); short protein forms A141T.
Identifiers: ClinVar variation 2175423 (VCV002175423.3), dbSNP rs768773303, ClinGen allele CA5459192.
Genomic context (GRCh38, chr10:30,340,360, plus strand): 5'-ACCGTTCAGAAGTCTGGTTTTTCAACTTCAGATTGAAGAAACGTGATCTGAATGGAATTG[C>T]AGTCTCCATGGCCGTGCTTGGAGTATGAGTCCCATTCTGCAGTGAACCTATGCTTTCCTT-3'
Protein context (NP_060579.3, residues 131-151): THTPSTAMET[Ala141Thr]IPFRSRFFNL